The following is an entry in ClinVar:

ClinVar aggregate classification (germline): Uncertain significance (1 of 4 stars; one submission).

Allele frequency attached by ClinVar (database versions not stated): gnomAD exomes below 0.00001.
gnomAD v4.1: 1 of 1,614,186 alleles (0.000062%); highest among the groups gnomAD compares: East Asian, 0.0022%; no homozygotes.

Submission:

Ambry Genetics
Classification: Uncertain significance. Last evaluated: 2022-10-08. Review status: criteria provided, single submitter. Criteria: Ambry Variant Classification Scheme 2023. Collection method: clinical testing. Allele origin: germline.
Comment: The p.S314G variant (also known as c.940A>G), located in coding exon 9 of the RAD54L gene, results from an A to G substitution at nucleotide position 940. The serine at codon 314 is replaced by glycine, an amino acid with similar properties. This amino acid position is conserved. In addition, this alteration is predicted to be tolerated by in silico analysis. Since supporting evidence is limited at this time, the clinical significance of this alteration remains unclear.

NM_003579.4(RAD54L):c.940A>G (p.Ser314Gly)

Gene: RAD54L (RAD54 like; plus strand). Cytogenetic location: 1p34.1.
Variant type: single nucleotide variant.
Coding change: c.940A>G on transcript NM_003579.4 (MANE Select); coding-DNA position 940, A replaced by G.
Protein change: p.Ser314Gly; replaces serine 314 with glycine.
Molecular consequence: missense variant.
Genome position (GRCh38, 1-based): chr1:46,267,507, A>G. VCF-style: chr1-46267507-A-G. GRCh37 (hg19) VCF-style: chr1-46733179-A-G.
Other names: c.940A>G, p.Ser314Gly (NM_001142548.2); c.400A>G, p.Ser134Gly (NM_001370766.1); short protein forms S314G, S134G.
Identifiers: ClinVar variation 1766868 (VCV001766868.2), dbSNP rs1167366835, ClinGen allele CA340192227.
Genomic context (GRCh38, chr1:46,267,507, plus strand): 5'-ATTCTCTTGCAGGGACACAGGCTCAAGAACTCTGAGAATCAGACTTACCAAGCCCTGGAC[A>G]GCTTGAACACCAGCCGGCGGGTGCTCATCTCCGGAACTCCCATCCAGAATGATCTGCTTG-3'
Protein context (NP_003570.2, residues 304-324): SENQTYQALD[Ser314Gly]LNTSRRVLIS